The following is an entry in ClinVar:

NM_003072.5(SMARCA4):c.368C>A (p.Pro123His)

Gene: SMARCA4 (SWI/SNF related BAF chromatin remodeling complex subunit ATPase 4; plus strand). Cytogenetic location: 19p13.2.
Variant type: single nucleotide variant.
Coding change: c.368C>A on transcript NM_003072.5 (MANE Select); coding-DNA position 368, C replaced by A.
Protein change: p.Pro123His; replaces proline 123 with histidine.
Molecular consequence: missense variant. On other transcripts: non-coding transcript variant (1).
Genome position (GRCh38, 1-based): chr19:10,986,201, C>A. VCF-style: chr19-10986201-C-A. GRCh37 (hg19) VCF-style: chr19-11096877-C-A.
Other names: c.368C>A, p.Pro123His (NM_001128844.3, NM_001128845.2, NM_001128846.2 and 5 more transcripts); short protein forms P123H.
Identifiers: ClinVar variation 1481961 (VCV001481961.6), dbSNP rs2145771332, ClinGen allele CA404055607.

ClinVar aggregate classification (germline): Uncertain significance (1 of 4 stars; one submission).

Conditions:
Rhabdoid tumor predisposition syndrome 2 (RTPS2). Identifiers: Orphanet 231108, Orphanet 69077, MedGen C2750074, MONDO:0013224, OMIM 613325.

Submission:

Labcorp Genetics (formerly Invitae), Labcorp
Classification: Uncertain significance for Rhabdoid tumor predisposition syndrome 2. Last evaluated: 2021-11-08. Review status: criteria provided, single submitter. Criteria: Invitae Variant Classification Sherloc (09022015). Collection method: clinical testing. Allele origin: germline.
Comment: This sequence change replaces proline, which is neutral and non-polar, with histidine, which is basic and polar, at codon 123 of the SMARCA4 protein (p.Pro123His). This variant is not present in population databases (gnomAD no frequency). This variant has not been reported in the literature in individuals affected with SMARCA4-related conditions. Algorithms developed to predict the effect of missense changes on protein structure and function (SIFT, PolyPhen-2, Align-GVGD) all suggest that this variant is likely to be disruptive. In summary, the available evidence is currently insufficient to determine the role of this variant in disease. Therefore, it has been classified as a Variant of Uncertain Significance.